The following is an entry in ClinVar:

ClinVar aggregate classification (germline): Uncertain significance. Review status: criteria provided, multiple submitters, no conflicts (2 of 4 stars). 2 submissions from 2 submitters: Uncertain significance (2). Last evaluated 2025-08-20.

Conditions:
Tuberous sclerosis 2 (TSC2). Identifiers: Orphanet 805, MedGen C1860707, MONDO:0013199, OMIM 613254.
Hereditary cancer-predisposing syndrome. Also called: Tumor predisposition; Hereditary Cancer Syndrome; Neoplastic Syndromes, Hereditary; Hereditary neoplastic syndrome. Identifiers: Orphanet 140162, MedGen C0027672, MeSH D009386, MONDO:0015356.

Submissions (2):

Ambry Genetics
Classification: Uncertain significance for Hereditary cancer-predisposing syndrome. Last evaluated: 2025-08-20. Review status: criteria provided, single submitter. Criteria: Ambry Variant Classification Scheme 2023. Collection method: clinical testing. Allele origin: germline.
Comment: The p.L1235V variant (also known as c.3703C>G), located in coding exon 30 of the TSC2 gene, results from a C to G substitution at nucleotide position 3703. The leucine at codon 1235 is replaced by valine, an amino acid with highly similar properties. This amino acid position is conserved. In addition, the in silico prediction for this alteration is inconclusive. Based on the available evidence, the clinical significance of this variant remains unclear.

Labcorp Genetics (formerly Invitae), Labcorp
Classification: Uncertain significance for Tuberous sclerosis 2. Last evaluated: 2022-03-19. Review status: criteria provided, single submitter. Criteria: Invitae Variant Classification Sherloc (09022015). Collection method: clinical testing. Allele origin: germline.
Comment: In summary, the available evidence is currently insufficient to determine the role of this variant in disease. Therefore, it has been classified as a Variant of Uncertain Significance. Advanced modeling of protein sequence and biophysical properties (such as structural, functional, and spatial information, amino acid conservation, physicochemical variation, residue mobility, and thermodynamic stability) performed at Invitae indicates that this missense variant is not expected to disrupt TSC2 protein function. This variant has not been reported in the literature in individuals affected with TSC2-related conditions. This variant is not present in population databases (gnomAD no frequency). This sequence change replaces leucine, which is neutral and non-polar, with valine, which is neutral and non-polar, at codon 1235 of the TSC2 protein (p.Leu1235Val).

NM_000548.5(TSC2):c.3703C>G (p.Leu1235Val)

Gene: TSC2 (TSC complex subunit 2; plus strand). Cytogenetic location: 16p13.3.
Variant type: single nucleotide variant.
Coding change: c.3703C>G on transcript NM_000548.5 (MANE Select); coding-DNA position 3703, C replaced by G.
Protein change: p.Leu1235Val; replaces leucine 1235 with valine.
Molecular consequence: missense variant.
Genome position (GRCh38, 1-based): chr16:2,081,687, C>G. VCF-style: chr16-2081687-C-G. GRCh37 (hg19) VCF-style: chr16-2131688-C-G.
Other names: c.3571C>G, p.Leu1191Val (NM_001077183.3, NM_001370404.1, NM_001406665.1); c.3703C>G, p.Leu1235Val (NM_001114382.3); c.3664C>G, p.Leu1222Val (NM_001406667.1); c.3661C>G, p.Leu1221Val (NM_001406668.1); c.3592C>G, p.Leu1198Val (NM_001406670.1); c.3562C>G, p.Leu1188Val (NM_001406671.1); c.3559C>G, p.Leu1187Val (NM_001406673.1); c.3556C>G, p.Leu1186Val (NM_001406675.1); and 18 more; short protein forms L1143V, L1155V, L1234V, L657V, L744V, L787V, L1172V, L1192V.
Identifiers: ClinVar variation 2114686 (VCV002114686.5), dbSNP rs137854303, ClinGen allele CA394292598.